The following is an entry in ClinVar:

ClinVar aggregate classification (germline): Benign. Review status: criteria provided, multiple submitters, no conflicts (2 of 4 stars). 3 submissions from 3 submitters: Benign (2). 1 of the submissions does not count toward it. Last evaluated 2026-01-16.

Conditions:
CTU2-related disorder. Also called: CTU2-related condition.

Allele frequency attached by ClinVar (database versions not stated): 1000 Genomes Project 0.00659; 1000 Genomes Project 30x 0.00718; ESP Exome Variant Server 0.00920; gnomAD exomes 0.01519; ExAC 0.01748.
gnomAD v4.1: 26,384 of 1,458,604 alleles (1.8%); highest among the groups gnomAD compares: Middle Eastern, 2.3%; 272 homozygotes.

Submissions (3):

Labcorp Genetics (formerly Invitae), Labcorp
Classification: Benign. Last evaluated: 2026-01-16. Review status: criteria provided, single submitter. Criteria: Invitae Variant Classification Sherloc (09022015). Collection method: clinical testing. Allele origin: germline.

Breakthrough Genomics
Classification: Benign. Review status: criteria provided, single submitter. Criteria: ACMG Guidelines, 2015. Collection method: not provided. Allele origin: germline. Inheritance: Autosomal recessive inheritance. Affected: yes.

PreventionGenetics, part of Exact Sciences
Classification: Benign for CTU2-related condition. Last evaluated: 2019-10-28. Review status: no assertion criteria provided. Collection method: clinical testing. Allele origin: germline. Not counted in ClinVar's aggregate classification.
Comment: This variant is classified as benign based on ACMG/AMP sequence variant interpretation guidelines (Richards et al. 2015 PMID: 25741868, with internal and published modifications).

NM_001012759.3(CTU2):c.25G>A (p.Gly9Arg)

Gene: CTU2 (cytosolic thiouridylase subunit 2; plus strand). Cytogenetic location: 16q24.3.
Variant type: single nucleotide variant.
Coding change: c.25G>A on transcript NM_001012759.3 (MANE Select); coding-DNA position 25, G replaced by A.
Protein change: p.Gly9Arg; replaces glycine 9 with arginine.
Molecular consequence: missense variant. On other transcripts: 5 prime UTR variant (1).
Genome position (GRCh38, 1-based): chr16:88,706,555, G>A. VCF-style: chr16-88706555-G-A. GRCh37 (hg19) VCF-style: chr16-88772963-G-A.
Other names: c.25G>A (NM_001012759.2); c.25G>A, p.Gly9Arg (NM_001012762.3, NM_001318507.2); c.-158G>A (NM_001318513.2); short protein forms G9R.
Identifiers: ClinVar variation 1529311 (VCV001529311.11), dbSNP rs137933845, ClinGen allele CA8229963.